The following is an entry in ClinVar:

ClinVar aggregate classification (germline): Uncertain significance. Review status: criteria provided, multiple submitters, no conflicts (2 of 4 stars). 2 submissions from 2 submitters: Uncertain significance (2). Last evaluated 2025-04-17.

Conditions:
Inborn genetic diseases. Identifiers: MedGen C0950123, MeSH D030342.
ZFPM2-related disorder. Also called: ZFPM2-related condition.

Allele frequency attached by ClinVar (database versions not stated): gnomAD exomes below 0.00001; TOPMed 0.00001; gnomAD 0.00002.
gnomAD v4.1: 5 of 1,612,308 alleles (0.00031%); highest among the groups gnomAD compares: Admixed American, 0.005%; no homozygotes.

Submissions (2):

Ambry Genetics
Classification: Uncertain significance for Inborn genetic diseases. Last evaluated: 2025-04-17. Review status: criteria provided, single submitter. Criteria: Ambry Variant Classification Scheme 2023. Collection method: clinical testing. Allele origin: germline.

PreventionGenetics, part of Exact Sciences
Classification: Uncertain significance for ZFPM2-related condition. Last evaluated: 2023-05-25. Review status: criteria provided, single submitter. Criteria: ACMG Guidelines, 2015. Collection method: clinical testing. Allele origin: germline.
Comment: The ZFPM2 c.251C>T variant is predicted to result in the amino acid substitution p.Ser84Leu. To our knowledge, this variant has not been reported in the literature. This variant is reported in 0.0029% of alleles in individuals of Latino descent in gnomAD. At this time, the clinical significance of this variant is uncertain due to the absence of conclusive functional and genetic evidence.

NM_012082.4(ZFPM2):c.251C>T (p.Ser84Leu)

Gene: ZFPM2 (zinc finger protein, FOG family member 2; plus strand). Cytogenetic location: 8q23.1.
Variant type: single nucleotide variant.
Coding change: c.251C>T on transcript NM_012082.4 (MANE Select); coding-DNA position 251, C replaced by T.
Protein change: p.Ser84Leu; replaces serine 84 with leucine.
Molecular consequence: missense variant. On other transcripts: 5 prime UTR variant (1).
Genome position (GRCh38, 1-based): chr8:105,444,331, C>T. VCF-style: chr8-105444331-C-T. GRCh37 (hg19) VCF-style: chr8-106456559-C-T.
Other names: c.92C>T, p.Ser31Leu (NM_001362836.2); c.-146C>T (NM_001362837.2); short protein forms S31L, S84L.
Identifiers: ClinVar variation 2628644 (VCV002628644.2), dbSNP rs1353333391, ClinGen allele CA372026007.